The following is an entry in ClinVar:

NM_001012339.3(DNAJC21):c.916G>A (p.Glu306Lys)

Gene: DNAJC21 (DnaJ heat shock protein family (Hsp40) member C21; plus strand). Cytogenetic location: 5p13.2.
Variant type: single nucleotide variant.
Coding change: c.916G>A on transcript NM_001012339.3 (MANE Select); coding-DNA position 916, G replaced by A.
Protein change: p.Glu306Lys; replaces glutamic acid 306 with lysine.
Molecular consequence: missense variant.
Genome position (GRCh38, 1-based): chr5:34,941,116, G>A. VCF-style: chr5-34941116-G-A. GRCh37 (hg19) VCF-style: chr5-34941221-G-A.
Other names: c.916G>A, p.Glu306Lys (NM_001348420.2, NM_194283.4); short protein forms E306K.
Identifiers: ClinVar variation 1908374 (VCV001908374.3), dbSNP rs754428815, ClinGen allele CA3228626.

ClinVar aggregate classification (germline): Uncertain significance (1 of 4 stars; one submission).

Allele frequency attached by ClinVar (database versions not stated): gnomAD exomes 0.00002; ExAC 0.00003; gnomAD 0.00004; TOPMed 0.00005.
gnomAD v4.1: 37 of 1,613,964 alleles (0.0023%); highest among the groups gnomAD compares: Admixed American, 0.018%; no homozygotes.

Submission:

Labcorp Genetics (formerly Invitae), Labcorp
Classification: Uncertain significance. Last evaluated: 2024-01-02. Review status: criteria provided, single submitter. Criteria: Invitae Variant Classification Sherloc (09022015). Collection method: clinical testing. Allele origin: germline.
Comment: This sequence change replaces glutamic acid, which is acidic and polar, with lysine, which is basic and polar, at codon 306 of the DNAJC21 protein (p.Glu306Lys). This variant is present in population databases (rs754428815, gnomAD 0.01%). This variant has not been reported in the literature in individuals affected with DNAJC21-related conditions. ClinVar contains an entry for this variant (Variation ID: 1908374). An algorithm developed to predict the effect of missense changes on protein structure and function (PolyPhen-2) suggests that this variant¬†is likely to be tolerated. In summary, the available evidence is currently insufficient to determine the role of this variant in disease. Therefore, it has been classified as a Variant of Uncertain Significance.